The following is an entry in ClinVar:

ClinVar aggregate classification (germline): Uncertain significance (1 of 4 stars; one submission).

Submission:

GeneDx
Classification: Uncertain significance. Last evaluated: 2025-05-05. Review status: criteria provided, single submitter. Criteria: GeneDx Variant Classification Process June 2021. Collection method: clinical testing. Allele origin: germline. Affected: yes.
Comment: Not observed at significant frequency in large population cohorts (gnomAD); In silico analysis supports that this missense variant has a deleterious effect on protein structure/function; Has not been previously published as pathogenic or benign to our knowledge

NM_001256071.3(RNF213):c.10704G>C (p.Leu3568Phe)

Genes: RNF213 (ring finger protein 213; plus strand), RNF213-AS1 (RNF213 antisense RNA 1; minus strand). Cytogenetic location: 17q25.3.
Variant type: single nucleotide variant.
Coding change: c.10704G>C on transcript NM_001256071.3 (MANE Select); coding-DNA position 10704, G replaced by C.
Protein change: p.Leu3568Phe; replaces leucine 3568 with phenylalanine.
Molecular consequence: missense variant. On other transcripts: non-coding transcript variant (1).
Genome position (GRCh38, 1-based): chr17:80,354,144, G>C. VCF-style: chr17-80354144-G-C. GRCh37 (hg19) VCF-style: chr17-78327944-G-C.
Other names: c.10851G>C, p.Leu3617Phe (NM_001410195.1, NM_020914.5); short protein forms L3568F, L3617F.
Identifiers: ClinVar variation 4528158 (VCV004528158.1).